The following is an entry in ClinVar:

NM_007198.4(PLPBP):c.322G>A (p.Val108Ile)

Gene: PLPBP (pyridoxal phosphate binding protein; plus strand). Cytogenetic location: 8p11.23.
Variant type: single nucleotide variant.
Coding change: c.322G>A on transcript NM_007198.4 (MANE Select); coding-DNA position 322, G replaced by A.
Protein change: p.Val108Ile; replaces valine 108 with isoleucine.
Molecular consequence: missense variant.
Genome position (GRCh38, 1-based): chr8:37,772,757, G>A. VCF-style: chr8-37772757-G-A. GRCh37 (hg19) VCF-style: chr8-37630275-G-A.
Other names: c.322G>A, p.Val108Ile (NM_001349346.2); c.316G>A, p.Val106Ile (NM_001349347.2); c.166G>A, p.Val56Ile (NM_001349348.2); short protein forms V106I, V108I, V56I.
Identifiers: ClinVar variation 1969561 (VCV001969561.5), dbSNP rs762855564, ClinGen allele CA4711212.

ClinVar aggregate classification (germline): Uncertain significance (1 of 4 stars; one submission).

Allele frequency attached by ClinVar (database versions not stated): gnomAD 0.00001.
gnomAD v4.1: 65 of 1,614,058 alleles (0.004%); highest among the groups gnomAD compares: Non-Finnish European, 0.0055%; no homozygotes.

Submission:

Labcorp Genetics (formerly Invitae), Labcorp
Classification: Uncertain significance. Last evaluated: 2022-06-10. Review status: criteria provided, single submitter. Criteria: Invitae Variant Classification Sherloc (09022015). Collection method: clinical testing. Allele origin: germline.
Comment: This sequence change replaces valine, which is neutral and non-polar, with isoleucine, which is neutral and non-polar, at codon 108 of the PROSC protein (p.Val108Ile). This variant is present in population databases (rs762855564, gnomAD 0.004%). This variant has not been reported in the literature in individuals affected with PROSC-related conditions. Algorithms developed to predict the effect of missense changes on protein structure and function (SIFT, PolyPhen-2, Align-GVGD) all suggest that this variant is likely to be tolerated. In summary, the available evidence is currently insufficient to determine the role of this variant in disease. Therefore, it has been classified as a Variant of Uncertain Significance.